The following is an entry in ClinVar:

ClinVar aggregate classification (germline): Uncertain significance (1 of 4 stars; one submission).

Submission:

Labcorp Genetics (formerly Invitae), Labcorp
Classification: Uncertain significance. Last evaluated: 2025-02-10. Review status: criteria provided, single submitter. Criteria: Invitae Variant Classification Sherloc (09022015). Collection method: clinical testing. Allele origin: germline.
Comment: This sequence change replaces phenylalanine, which is neutral and non-polar, with isoleucine, which is neutral and non-polar, at codon 2659 of the CPLANE1 protein (p.Phe2659Ile). This variant is not present in population databases (gnomAD no frequency). This variant has not been reported in the literature in individuals affected with CPLANE1-related conditions. ClinVar contains an entry for this variant (Variation ID: 2051424). Invitae Evidence Modeling of protein sequence and biophysical properties (such as structural, functional, and spatial information, amino acid conservation, physicochemical variation, residue mobility, and thermodynamic stability) indicates that this missense variant is not expected to disrupt CPLANE1 protein function with a negative predictive value of 95%. In summary, the available evidence is currently insufficient to determine the role of this variant in disease. Therefore, it has been classified as a Variant of Uncertain Significance.

NM_001384732.1(CPLANE1):c.8137T>A (p.Phe2713Ile)

Gene: CPLANE1 (ciliogenesis and planar polarity effector complex subunit 1; minus strand). Cytogenetic location: 5p13.2.
Variant type: single nucleotide variant.
Coding change: c.8137T>A on transcript NM_001384732.1 (MANE Select); coding-DNA position 8137, T replaced by A.
Protein change: p.Phe2713Ile; replaces phenylalanine 2713 with isoleucine.
Molecular consequence: missense variant.
Genome position (GRCh38, 1-based): chr5:37,153,976, A>T on the plus strand (T>A on the coding strand, the complement: CPLANE1 is on the minus strand). VCF-style: chr5-37153976-A-T. GRCh37 (hg19) VCF-style: chr5-37154078-A-T.
Other names: c.7975T>A, p.Phe2659Ile (NM_023073.4); short protein forms F2713I, F2659I.
Identifiers: ClinVar variation 2051424 (VCV002051424.4), dbSNP rs2547285540, ClinGen allele CA359474389.
Genomic context (GRCh38, chr5:37,153,976, plus strand): 5'-GTTTCCACAATAGATAATCTTCTGCAGAGTCTGACTTTGTGCTCTGTCCTTTGAATCGGA[A>T]CTCTGGTTTTGGCAGACCTAAATATTAATAAGAATAAAAGCAGAATTGATTATAATTAAA-3'
Protein context (NP_001371661.1, residues 2703-2723): QQNKGLPKPE[Phe2713Ile]RFKGQSTKSD